The following is an entry in ClinVar:

NM_000082.4(ERCC8):c.892dup (p.Thr298fs)

Gene: ERCC8 (ERCC excision repair 8, CSA ubiquitin ligase complex subunit; minus strand). Cytogenetic location: 5q12.1.
Variant type: Duplication.
Coding change: c.892dup on transcript NM_000082.4 (MANE Select); coding-DNA position 892, one base duplicated (A; older notation c.892dupA).
Protein change: p.Thr298fs; shifts the reading frame from threonine 298.
Molecular consequence: frameshift variant.
Genome position (GRCh38, 1-based): chr5:60,891,038, T duplicated on the plus strand (A on the coding strand, the reverse complement: ERCC8 is on the minus strand). VCF-style (leftmost placement, unchanged base first): chr5-60891037-G-GT. GRCh37 (hg19) VCF-style: chr5-60186864-G-GT.
Other names: c.718dup, p.Thr240fs (NM_001007233.3); c.433dup, p.Thr145fs (NM_001290285.2); short protein forms T145fs, T240fs, T298fs.
Identifiers: ClinVar variation 5011403 (VCV005011403.1).

ClinVar aggregate classification (germline): Pathogenic (1 of 4 stars; one submission).

Conditions:
Cockayne syndrome type 1. Also called: Cockayne syndrome type I; Cockayne syndrome classical; Cockayne syndrome classic form. Identifiers: Orphanet 191, Orphanet 90321, MedGen C0751039, MONDO:0019569, OMIM 216400.

Submission:

Myriad Genetics, Inc.
Classification: Pathogenic for Cockayne syndrome type 1. Last evaluated: 2023-08-20. Review status: criteria provided, single submitter. Criteria: Myriad Autosomal Dominant, Autosomal Recessive and X-Linked Classification Criteria (2023). Collection method: clinical testing. Allele origin: unknown.
Comment: NM_000082.3(ERCC8):c.892dupA(T298Nfs*17) is expected to be pathogenic in the context of ERCC8-related disorders. This variant is predicted to lead to an abnormal or absent protein product due to the creation of a premature termination codon in ERCC8, a gene where loss-of-function variants are known to be pathogenic. Please note: this variant was assessed in the context of healthy population screening.